The following is an entry in ClinVar:

ClinVar aggregate classification (germline): Uncertain significance (1 of 4 stars; one submission).

Submission:

Labcorp Genetics (formerly Invitae), Labcorp
Classification: Uncertain significance. Last evaluated: 2022-08-22. Review status: criteria provided, single submitter. Criteria: Invitae Variant Classification Sherloc (09022015). Collection method: clinical testing. Allele origin: germline.
Comment: In summary, the available evidence is currently insufficient to determine the role of this variant in disease. Therefore, it has been classified as a Variant of Uncertain Significance. Algorithms developed to predict the effect of missense changes on protein structure and function are either unavailable or do not agree on the potential impact of this missense change (SIFT: "Tolerated"; PolyPhen-2: "Probably Damaging"; Align-GVGD: "Class C0"). This variant has not been reported in the literature in individuals affected with ROM1-related conditions. This variant is not present in population databases (gnomAD no frequency). This sequence change replaces tryptophan, which is neutral and slightly polar, with arginine, which is basic and polar, at codon 249 of the ROM1 protein (p.Trp249Arg).

NM_000327.4(ROM1):c.745T>C (p.Trp249Arg)

Gene: ROM1 (retinal outer segment membrane protein 1; plus strand). Cytogenetic location: 11q12.3.
Variant type: single nucleotide variant.
Coding change: c.745T>C on transcript NM_000327.4 (MANE Select); coding-DNA position 745, T replaced by C.
Protein change: p.Trp249Arg; replaces tryptophan 249 with arginine.
Molecular consequence: missense variant.
Genome position (GRCh38, 1-based): chr11:62,614,412, T>C. VCF-style: chr11-62614412-T-C. GRCh37 (hg19) VCF-style: chr11-62381884-T-C.
Other names: short protein forms W249R.
Identifiers: ClinVar variation 1717653 (VCV001717653.5), dbSNP rs1310350095, ClinGen allele CA380972304.
Genomic context (GRCh38, chr11:62,614,412, plus strand): 5'-CGTCTTTCAGACTCCTACGCCCACCCCCTGTTCGATCCCCGACAACCCAACCAAAACCTC[T>C]GGGCCCAAGGGTGCCATGAGGTGCTGCTGGAGCACTTGCAGGACTTGGCAGGCACACTGG-3'
Protein context (NP_000318.2, residues 239-259): FDPRQPNQNL[Trp249Arg]AQGCHEVLLE